The following is an entry in ClinVar:

ClinVar aggregate classification (germline): Uncertain significance (1 of 4 stars; one submission).

Submission:

Ambry Genetics
Classification: Uncertain significance. Last evaluated: 2024-11-03. Review status: criteria provided, single submitter. Criteria: Ambry Variant Classification Scheme 2023. Collection method: clinical testing. Allele origin: germline.
Comment: The p.A120P variant (also known as c.358G>C), located in coding exon 4 of the BUB1 gene, results from a G to C substitution at nucleotide position 358. The alanine at codon 120 is replaced by proline, an amino acid with highly similar properties. This amino acid position is conserved. In addition, the in silico prediction for this alteration is inconclusive. Since supporting evidence is limited at this time, the clinical significance of this alteration remains unclear.

NM_004336.5(BUB1):c.358G>C (p.Ala120Pro)

Gene: BUB1 (BUB1 mitotic checkpoint serine/threonine kinase; minus strand). Cytogenetic location: 2q13.
Variant type: single nucleotide variant.
Coding change: c.358G>C on transcript NM_004336.5 (MANE Select); coding-DNA position 358, G replaced by C.
Protein change: p.Ala120Pro; replaces alanine 120 with proline.
Molecular consequence: missense variant.
Genome position (GRCh38, 1-based): chr2:110,672,725, C>G on the plus strand (G>C on the coding strand, the complement: BUB1 is on the minus strand). VCF-style: chr2-110672725-C-G. GRCh37 (hg19) VCF-style: chr2-111430302-C-G.
Other names: c.298G>C, p.Ala100Pro (NM_001278616.2); c.358G>C, p.Ala120Pro (NM_001278617.2); short protein forms A100P, A120P.
Identifiers: ClinVar variation 1732983 (VCV001732983.3), dbSNP rs2468035817, ClinGen allele CA348220466.